The following is an entry in ClinVar:

NM_005732.4(RAD50):c.272G>T (p.Gly91Val)

Gene: RAD50 (RAD50 double strand break repair protein; plus strand). Cytogenetic location: 5q31.1.
Variant type: single nucleotide variant.
Coding change: c.272G>T on transcript NM_005732.4 (MANE Select); coding-DNA position 272, G replaced by T.
Protein change: p.Gly91Val; replaces glycine 91 with valine.
Molecular consequence: missense variant.
Genome position (GRCh38, 1-based): chr5:132,575,835, G>T. VCF-style: chr5-132575835-G-T. GRCh37 (hg19) VCF-style: chr5-131911527-G-T.
Other names: short protein forms G91V.
Identifiers: ClinVar variation 1795282 (VCV001795282.2), dbSNP rs2479608133, ClinGen allele CA360930750.

ClinVar aggregate classification (germline): Uncertain significance (1 of 4 stars; one submission).

Conditions:
Hereditary cancer-predisposing syndrome. Also called: Tumor predisposition; Hereditary Cancer Syndrome; Neoplastic Syndromes, Hereditary; Hereditary neoplastic syndrome. Identifiers: Orphanet 140162, MedGen C0027672, MeSH D009386, MONDO:0015356.

Submission:

Ambry Genetics
Classification: Uncertain significance for Hereditary cancer-predisposing syndrome. Last evaluated: 2017-12-08. Review status: criteria provided, single submitter. Criteria: Ambry Variant Classification Scheme 2023. Collection method: clinical testing. Allele origin: germline.
Comment: The p.G91V variant (also known as c.272G>T), located in coding exon 3 of the RAD50 gene, results from a G to T substitution at nucleotide position 272. The glycine at codon 91 is replaced by valine, an amino acid with dissimilar properties. This amino acid position is highly conserved in available vertebrate species. In addition, this alteration is predicted to be deleterious by in silico analysis. Since supporting evidence is limited at this time, the clinical significance of this alteration remains unclear.